The following is an entry in ClinVar:

NM_014336.5(AIPL1):c.246C>A (p.His82Gln)

Gene: AIPL1 (AIP like 1 HSP90 co-chaperone; minus strand). Cytogenetic location: 17p13.2.
Variant type: single nucleotide variant.
Coding change: c.246C>A on transcript NM_014336.5 (MANE Select); coding-DNA position 246, C replaced by A.
Protein change: p.His82Gln; replaces histidine 82 with glutamine.
Molecular consequence: missense variant. On other transcripts: intron variant (1).
Genome position (GRCh38, 1-based): chr17:6,433,949, G>T on the plus strand (C>A on the coding strand, the complement: AIPL1 is on the minus strand). VCF-style: chr17-6433949-G-T. GRCh37 (hg19) VCF-style: chr17-6337269-G-T.
Other names: c.246C>A, p.His82Gln (NM_001033054.3, NM_001285401.3, NM_001285403.4); c.210C>A, p.His70Gln (NM_001285399.3); c.180C>A, p.His60Gln (NM_001285400.3); c.129C>A, p.His43Gln (NM_001285402.2); c.96+1060C>A (NM_001033055.3); short protein forms H60Q, H82Q, H43Q, H70Q.
Identifiers: ClinVar variation 1978770 (VCV001978770.4), dbSNP rs758868216, ClinGen allele CA8328585.

ClinVar aggregate classification (germline): Uncertain significance (1 of 4 stars; one submission).

Conditions:
Leber congenital amaurosis 4 (LCA4). Identifiers: MedGen C1858386, MONDO:0011458, OMIM 604393.

Allele frequency attached by ClinVar (database versions not stated): gnomAD 0.00001.
gnomAD v4.1: 2 of 1,612,016 alleles (0.00012%); highest among the groups gnomAD compares: East Asian, 0.0045%; no homozygotes.

Submission:

Labcorp Genetics (formerly Invitae), Labcorp
Classification: Uncertain significance for Leber congenital amaurosis 4. Last evaluated: 2021-12-29. Review status: criteria provided, single submitter. Criteria: Invitae Variant Classification Sherloc (09022015). Collection method: clinical testing. Allele origin: germline.
Comment: In summary, the available evidence is currently insufficient to determine the role of this variant in disease. Therefore, it has been classified as a Variant of Uncertain Significance. Algorithms developed to predict the effect of missense changes on protein structure and function (SIFT, PolyPhen-2, Align-GVGD) all suggest that this variant is likely to be tolerated. This variant has not been reported in the literature in individuals affected with AIPL1-related conditions. This variant is present in population databases (rs758868216, gnomAD 0.02%). This sequence change replaces histidine, which is basic and polar, with glutamine, which is neutral and polar, at codon 82 of the AIPL1 protein (p.His82Gln).